The following is an entry in ClinVar:

ClinVar aggregate classification (germline): Pathogenic (1 of 4 stars; one submission).

Submission:

Mayo Clinic Laboratories, Mayo Clinic
Classification: Pathogenic. Last evaluated: 2024-01-30. Review status: criteria provided, single submitter. Criteria: ACMG Guidelines, 2015. Collection method: clinical testing. Allele origin: germline. Observed: 1 variant allele.
Comment: PP4, PM2, PVS1

NM_001114753.3(ENG):c.765_773delinsGG (p.Pro256fs)

Gene: ENG (endoglin; minus strand). Cytogenetic location: 9q34.11.
Variant type: Indel.
Coding change: c.765_773delinsGG on transcript NM_001114753.3 (MANE Select); coding-DNA positions 765 to 773, TCCCCCCTA replaced by GG.
Protein change: p.Pro256fs; shifts the reading frame from proline 256.
Molecular consequence: frameshift variant.
Genome position (GRCh38, 1-based): chr9:127,825,274-127,825,282, TAGGGGGGA replaced by CC on the plus strand (TCCCCCCTA replaced by GG on the coding strand, the reverse complement: ENG is on the minus strand). VCF-style: chr9-127825274-TAGGGGGGA-CC. GRCh37 (hg19) VCF-style: chr9-130587553-TAGGGGGGA-CC.
Other names: p.Pro256Alafs*101; c.765_773delinsGG, p.Pro256fs (NM_000118.4, NM_001406715.1); c.765_773delTCCCCCCTAinsGG, p.Pro256Alafs (NM_001114753.2); c.219_227delinsGG, p.Pro74fs (NM_001278138.2); short protein forms P256fs, P74fs.
Identifiers: ClinVar variation 3381056 (VCV003381056.1).